The following is an entry in ClinVar:

NM_000444.6(PHEX):c.1152T>G (p.Tyr384Ter)

Gene: PHEX (phosphate regulating endopeptidase X-linked; plus strand). Cytogenetic location: Xp22.11.
Variant type: single nucleotide variant.
Coding change: c.1152T>G on transcript NM_000444.6 (MANE Select); coding-DNA position 1152, T replaced by G.
Protein change: p.Tyr384Ter; replaces tyrosine 384 with a stop codon.
Molecular consequence: nonsense.
Genome position (GRCh38, 1-based): chrX:22,111,539, T>G. VCF-style: chrX-22111539-T-G. GRCh37 (hg19) VCF-style: chrX-22129657-T-G.
Other names: c.1152T>G, p.Tyr384Ter (NM_001282754.2); short protein forms Y384*.
Identifiers: ClinVar variation 1459248 (VCV001459248.8), dbSNP rs2147062072, ClinGen allele CA412573238.
Genomic context (GRCh38, chrX:22,111,539, plus strand): 5'-CTATTTGGTGTGGAGAATGGTTTATTCCAGAATTCCAAACCTTAGCAGGCGCTTTCAGTA[T>G]AGATGGCTGGAATTCTCAAGGGTAAGTTTAAGAAGATTGCAGTGTTACATCGCTGGATAA-3'

ClinVar aggregate classification (germline): Pathogenic (1 of 4 stars; one submission).

Submission:

Labcorp Genetics (formerly Invitae), Labcorp
Classification: Pathogenic. Last evaluated: 2025-10-29. Review status: criteria provided, single submitter. Criteria: Invitae Variant Classification Sherloc (09022015). Collection method: clinical testing. Allele origin: germline.
Comment: This sequence change creates a premature translational stop signal (p.Tyr384*) in the PHEX gene. It is expected to result in an absent or disrupted protein product. Loss-of-function variants in PHEX are known to be pathogenic (PMID: 9097956, 9106524, 19219621). This variant is not present in population databases (gnomAD no frequency). This premature translational stop signal has been observed in individual(s) with hypophosphatemia (PMID: 19219621; internal data). ClinVar contains an entry for this variant (Variation ID: 1459248). For these reasons, this variant has been classified as Pathogenic.

Literature cited by the submitters: PubMed 9097956; PubMed 9106524; PubMed 19219621.